The following is an entry in ClinVar:

NM_003193.5(TBCE):c.527A>T (p.Asp176Val)

Gene: TBCE (tubulin folding cofactor E; plus strand). Cytogenetic location: 1q42.3.
Variant type: single nucleotide variant.
Coding change: c.527A>T on transcript NM_003193.5 (MANE Select); coding-DNA position 527, A replaced by T.
Protein change: p.Asp176Val; replaces aspartic acid 176 with valine.
Molecular consequence: missense variant.
Genome position (GRCh38, 1-based): chr1:235,427,206, A>T. VCF-style: chr1-235427206-A-T. GRCh37 (hg19) VCF-style: chr1-235590521-A-T.
Other names: c.527A>T, p.Asp176Val (NM_001079515.3, NM_001287801.2); c.188A>T, p.Asp63Val (NM_001287802.2); short protein forms D63V, D176V.
Identifiers: ClinVar variation 1030640 (VCV001030640.1), dbSNP rs1680772681, ClinGen allele CA344930521.

ClinVar aggregate classification (germline): Uncertain significance (1 of 4 stars; one submission).

Conditions:
Encephalopathy, progressive, with amyotrophy and optic atrophy (PEAMO). Identifiers: MedGen C4310667, MONDO:0014968, OMIM 617207.

Submission:

Baylor Genetics
Classification: Uncertain significance for Encephalopathy, progressive, with amyotrophy and optic atrophy. Last evaluated: 2020-07-27. Review status: criteria provided, single submitter. Criteria: ACMG Guidelines, 2015. Collection method: clinical testing. Allele origin: unknown. Affected: yes.
Comment: This variant was determined to be of uncertain significance according to ACMG Guidelines, 2015 [PMID:25741868].